The following is an entry in ClinVar:

NM_015915.5(ATL1):c.1445G>T (p.Gly482Val)

Gene: ATL1 (atlastin GTPase 1; plus strand). Cytogenetic location: 14q22.1.
Variant type: single nucleotide variant.
Coding change: c.1445G>T on transcript NM_015915.5 (MANE Select); coding-DNA position 1445, G replaced by T.
Protein change: p.Gly482Val; replaces glycine 482 with valine.
Molecular consequence: missense variant.
Genome position (GRCh38, 1-based): chr14:50,628,356, G>T. VCF-style: chr14-50628356-G-T. GRCh37 (hg19) VCF-style: chr14-51095074-G-T.
Other names: c.1445G>T, p.Gly482Val (NM_001127713.1, NM_181598.4); short protein forms G482V.
Identifiers: ClinVar variation 1804286 (VCV001804286.1), dbSNP rs2504578278, ClinGen allele CA389676309.

ClinVar aggregate classification (germline): Uncertain significance (1 of 4 stars; one submission).

Submission:

GeneDx
Classification: Uncertain significance. Last evaluated: 2022-06-15. Review status: criteria provided, single submitter. Criteria: GeneDx Variant Classification Process June 2021. Collection method: clinical testing. Allele origin: germline. Affected: yes.
Comment: Not observed at significant frequency in large population cohorts (gnomAD); In silico analysis supports that this missense variant has a deleterious effect on protein structure/function; This variant is associated with the following publications: (PMID: 17502470)